The following is an entry in ClinVar:

ClinVar aggregate classification (germline): Likely pathogenic (1 of 4 stars; one submission).

Conditions:
Charlevoix-Saguenay spastic ataxia (SACS). Also called: AUTOSOMAL RECESSIVE SPASTIC ATAXIA OF CHARLEVOIX-SAGUENAY; Spastic ataxia of Charlevoix-Saguenay; SPASTIC ATAXIA 6, AUTOSOMAL RECESSIVE. Identifiers: Orphanet 98, MedGen C1849140, MONDO:0010041, OMIM 270550.

Submission:

Natera, Inc.
Classification: Likely pathogenic for Charlevoix-Saguenay type spastic ataxia. Last evaluated: 2024-07-23. Review status: criteria provided, single submitter. Criteria: Natera Variant Classification Schema (03/2026). Collection method: clinical testing. Allele origin: germline.
Comment: The c.12272C>G variant in SACS is a nonsense variant predicted to introduce a stop codon at amino acid 4091. This variant is expected to result in nonsense mediated decay, truncation, or a dysfunctional protein product. This variant is rare in the general population with a frequency below the threshold expected for the associated phenotype(s). Given the available evidence, this variant is classified as Likely Pathogenic.

NM_014363.6(SACS):c.12272C>G (p.Ser4091Ter)

Gene: SACS (sacsin molecular chaperone; minus strand). Cytogenetic location: 13q12.12.
Variant type: single nucleotide variant.
Coding change: c.12272C>G on transcript NM_014363.6 (MANE Select); coding-DNA position 12272, C replaced by G.
Protein change: p.Ser4091Ter; replaces serine 4091 with a stop codon.
Molecular consequence: nonsense.
Genome position (GRCh38, 1-based): chr13:23,331,604, G>C on the plus strand (C>G on the coding strand, the complement: SACS is on the minus strand). VCF-style: chr13-23331604-G-C. GRCh37 (hg19) VCF-style: chr13-23905743-G-C.
Other names: c.11831C>G, p.Ser3944Ter (NM_001278055.2); c.12299C>G, p.Ser4100Ter (NM_001437336.1); short protein forms S3944*, S4091*, S4100*.
Identifiers: ClinVar variation 4815676 (VCV004815676.1).
Genomic context (GRCh38, chr13:23,331,604, plus strand): 5'-TCAGTTGCTGATTTAAGAGTCATTGCCAATGCTAACAGGAAATTAATGTCTTTACTGTCT[G>C]AATGTTGAATGTAGAGCAAGATGACTGCATTACCAAATCGCTTCAAAAAAGCAAAAGTTT-3'